The following is an entry in ClinVar:

ClinVar aggregate classification (germline): Benign/Likely benign. Review status: criteria provided, multiple submitters, no conflicts (2 of 4 stars). 5 submissions from 5 submitters: Benign (4); Likely benign (1). Last evaluated 2026-07-09.

Conditions:
Intellectual disability, autosomal dominant 16 (CSS4). Also called: COFFIN-SIRIS SYNDROME 4. Identifiers: Orphanet 1465, MedGen C3553249, MONDO:0013821, OMIM 614609.
Hereditary cancer-predisposing syndrome. Also called: Hereditary Cancer Syndrome; Hereditary neoplastic syndrome; Neoplastic Syndromes, Hereditary; Tumor predisposition. Identifiers: Orphanet 140162, MedGen C0027672, MeSH D009386, MONDO:0015356.
Rhabdoid tumor predisposition syndrome 2 (RTPS2). Identifiers: Orphanet 231108, Orphanet 69077, MedGen C2750074, MONDO:0013224, OMIM 613325.

Allele frequency attached by ClinVar (database versions not stated): gnomAD exomes 0.00004 and 0.00015; TOPMed 0.00005; 1000 Genomes Project 0.00060; gnomAD 0.00004 and 0.00006; ExAC 0.00012; 1000 Genomes Project 30x 0.00047.
gnomAD v4.1: 72 of 1,614,176 alleles (0.0045%); highest among the groups gnomAD compares: East Asian, 0.15%; no homozygotes.

Submissions (5):

Myriad Genetics, Inc.
Classification: Benign for Rhabdoid tumor predisposition syndrome 2. Last evaluated: 2026-07-09. Review status: criteria provided, single submitter. Criteria: Myriad Autosomal Dominant, Autosomal Recessive and X-Linked Classification Criteria (2023). Collection method: clinical testing. Allele origin: unknown.
Comment: This variant is considered benign. This variant is a silent/synonymous amino acid change and it is not expected to impact splicing.

Labcorp Genetics (formerly Invitae), Labcorp
Classification: Benign for Rhabdoid tumor predisposition syndrome 2. Last evaluated: 2026-02-03. Review status: criteria provided, single submitter. Criteria: Invitae Variant Classification Sherloc (09022015). Collection method: clinical testing. Allele origin: germline.

Sema4
Classification: Benign for Hereditary cancer-predisposing syndrome. Last evaluated: 2022-02-02. Review status: criteria provided, single submitter. Criteria: Sema4 Curation Guidelines. Collection method: curation. Allele origin: germline.

Genome-Nilou Lab
Classification: Benign for Intellectual disability, autosomal dominant 16. Last evaluated: 2021-07-15. Review status: criteria provided, single submitter. Criteria: ACMG Guidelines, 2015. Collection method: clinical testing. Allele origin: germline. Affected: no.

Ambry Genetics
Classification: Likely benign for Hereditary cancer-predisposing syndrome. Last evaluated: 2015-11-16. Review status: criteria provided, single submitter. Criteria: Ambry Variant Classification Scheme 2023. Collection method: clinical testing. Allele origin: germline.

NM_003072.5(SMARCA4):c.1209G>A (p.Glu403=)

Gene: SMARCA4 (SWI/SNF related BAF chromatin remodeling complex subunit ATPase 4; plus strand). Cytogenetic location: 19p13.2.
Variant type: single nucleotide variant.
Coding change: c.1209G>A on transcript NM_003072.5 (MANE Select); coding-DNA position 1209, G replaced by A.
Protein change: p.Glu403=; no amino-acid change (glutamic acid 403 retained).
Molecular consequence: synonymous variant. On other transcripts: non-coding transcript variant (1).
Genome position (GRCh38, 1-based): chr19:10,989,407, G>A. VCF-style: chr19-10989407-G-A. GRCh37 (hg19) VCF-style: chr19-11100083-G-A.
Other names: c.1209G>A, p.Glu403= (NM_001128844.3, NM_001128845.2, NM_001128846.2 and 5 more transcripts).
Identifiers: ClinVar variation 470235 (VCV000470235.20), dbSNP rs200159174, ClinGen allele CA9203716.